The following is an entry in ClinVar:

NM_018089.3(ANKZF1):c.83G>T (p.Gly28Val)

Gene: ANKZF1 (ankyrin repeat and zinc finger peptidyl tRNA hydrolase 1; plus strand). Cytogenetic location: 2q35.
Variant type: single nucleotide variant.
Coding change: c.83G>T on transcript NM_018089.3 (MANE Select); coding-DNA position 83, G replaced by T.
Protein change: p.Gly28Val; replaces glycine 28 with valine.
Molecular consequence: missense variant. On other transcripts: intron variant (1).
Genome position (GRCh38, 1-based): chr2:219,230,340, G>T. VCF-style: chr2-219230340-G-T. GRCh37 (hg19) VCF-style: chr2-220095062-G-T.
Other names: c.83G>T, p.Gly28Val (NM_001042410.2); c.-267+440G>T (NM_001282792.2); short protein forms G28V.
Identifiers: ClinVar variation 2101555 (VCV002101555.4), dbSNP rs2106453887, ClinGen allele CA350670050.

ClinVar aggregate classification (germline): Uncertain significance (1 of 4 stars; one submission).

Allele frequency attached by ClinVar (database versions not stated): gnomAD 0.00001; gnomAD exomes 0.00001; 1000 Genomes Project 30x 0.00016.
gnomAD v4.1: 4 of 1,614,000 alleles (0.00025%); highest among the groups gnomAD compares: Admixed American, 0.0067%; no homozygotes.

Submission:

Labcorp Genetics (formerly Invitae), Labcorp
Classification: Uncertain significance. Last evaluated: 2024-12-10. Review status: criteria provided, single submitter. Criteria: Invitae Variant Classification Sherloc (09022015). Collection method: clinical testing. Allele origin: germline.
Comment: This sequence change replaces glycine, which is neutral and non-polar, with valine, which is neutral and non-polar, at codon 28 of the ANKZF1 protein (p.Gly28Val). This variant is not present in population databases (gnomAD no frequency). This variant has not been reported in the literature in individuals affected with ANKZF1-related conditions. ClinVar contains an entry for this variant (Variation ID: 2101555). An algorithm developed to predict the effect of missense changes on protein structure and function (PolyPhen-2) suggests that this variant is likely to be disruptive. In summary, the available evidence is currently insufficient to determine the role of this variant in disease. Therefore, it has been classified as a Variant of Uncertain Significance.